The following is an entry in ClinVar:

NM_001277115.2(DNAH11):c.8497G>A (p.Ala2833Thr)

Gene: DNAH11 (dynein axonemal heavy chain 11; plus strand). Cytogenetic location: 7p15.3.
Variant type: single nucleotide variant.
Coding change: c.8497G>A on transcript NM_001277115.2 (MANE Select); coding-DNA position 8497, G replaced by A.
Protein change: p.Ala2833Thr; replaces alanine 2833 with threonine.
Molecular consequence: missense variant.
Genome position (GRCh38, 1-based): chr7:21,745,050, G>A. VCF-style: chr7-21745050-G-A. GRCh37 (hg19) VCF-style: chr7-21784668-G-A.
Other names: c.8518G>A, p.Ala2840Thr (NM_003777.3); short protein forms A2833T, A2840T.
Identifiers: ClinVar variation 1710388 (VCV001710388.3), dbSNP rs2535119648, ClinGen allele CA366954467.

ClinVar aggregate classification (germline): Uncertain significance (1 of 4 stars; one submission).

Submission:

Greenwood Genetic Center Diagnostic Laboratories, Greenwood Genetic Center
Classification: Uncertain significance. Last evaluated: 2022-08-31. Review status: criteria provided, single submitter. Criteria: ACMG Guidelines, 2015. Collection method: clinical testing. Allele origin: germline. Affected: yes.
Comment: Gene of Uncertain Significance